The following is an entry in ClinVar:

NM_001849.4(COL6A2):c.1744G>A (p.Gly582Ser)

Gene: COL6A2 (collagen type VI alpha 2 chain; plus strand). Cytogenetic location: 21q22.3.
Variant type: single nucleotide variant.
Coding change: c.1744G>A on transcript NM_001849.4 (MANE Select); coding-DNA position 1744, G replaced by A.
Protein change: p.Gly582Ser; replaces glycine 582 with serine.
Molecular consequence: missense variant.
Genome position (GRCh38, 1-based): chr21:46,124,894, G>A. VCF-style: chr21-46124894-G-A. GRCh37 (hg19) VCF-style: chr21-47544808-G-A.
Other names: c.1744G>A, p.Gly582Ser (NM_058174.3, NM_058175.3); short protein forms G582S.
Identifiers: ClinVar variation 289266 (VCV000289266.10), dbSNP rs750533442, ClinGen allele CA10072162.

ClinVar aggregate classification (germline): Uncertain significance. Review status: criteria provided, multiple submitters, no conflicts (2 of 4 stars). 3 submissions from 3 submitters: Uncertain significance (3). Last evaluated 2025-10-01.

Conditions:
Bethlem myopathy 1A. Also called: Bethlem Muscular Dystrophy; MYOPATHY, BENIGN CONGENITAL, WITH CONTRACTURES; Bethlem myopathy 1. Identifiers: Orphanet 610, MedGen CN029274, MONDO:0024530, OMIM 158810.

Allele frequency attached by ClinVar (database versions not stated): TOPMed below 0.00001; gnomAD 0.00001; gnomAD exomes 0.00001; ExAC 0.00002.
gnomAD v4.1: 13 of 1,612,758 alleles (0.00081%); highest among the groups gnomAD compares: East Asian, 0.011%; no homozygotes.

Submissions (3):

Women's Health and Genetics/Laboratory Corporation of America, LabCorp
Classification: Uncertain significance. Last evaluated: 2025-10-01. Review status: criteria provided, single submitter. Criteria: LabCorp Variant Classification Summary - May 2015. Collection method: clinical testing. Allele origin: germline.
Comment: Variant summary: COL6A2 c.1744G>A (p.Gly582Ser) results in a non-conservative amino acid change in the encoded protein sequence. Algorithms developed to predict the effect of missense changes on protein structure and function all suggest that this variant is likely to be disruptive. The variant allele was found at a frequency of 1.2e-05 in 250330 control chromosomes. The available data on variant occurrences in the general population are insufficient to allow any conclusion about variant significance. To our knowledge, no occurrence of c.1744G>A in individuals affected with COL6A2-related conditions and no experimental evidence demonstrating its impact on protein function have been reported. ClinVar contains an entry for this variant (Variation ID: 289266). Based on the evidence outlined above, the variant was classified as uncertain significance.

Labcorp Genetics (formerly Invitae), Labcorp
Classification: Uncertain significance for Bethlem myopathy 1A. Last evaluated: 2022-05-04. Review status: criteria provided, single submitter. Criteria: Invitae Variant Classification Sherloc (09022015). Collection method: clinical testing. Allele origin: germline.
Comment: This sequence change replaces glycine, which is neutral and non-polar, with serine, which is neutral and polar, at codon 582 of the COL6A2 protein (p.Gly582Ser). In summary, the available evidence is currently insufficient to determine the role of this variant in disease. Therefore, it has been classified as a Variant of Uncertain Significance. This variant disrupts the triple helix domain of COL6A2. Glycine residues within the Gly-Xaa-Yaa repeats of the triple helix domain are required for the structure and stability of fibrillar collagens (PMID: 7695699, 8218237, 19344236). In COL6A2, missense variants at these glycine residues are significantly enriched in individuals with autosomal dominant disease (PMID: 15689448, 24038877) compared to the general population (ExAC). Advanced modeling of protein sequence and biophysical properties (such as structural, functional, and spatial information, amino acid conservation, physicochemical variation, residue mobility, and thermodynamic stability) performed at Invitae indicates that this missense variant is expected to disrupt COL6A2 protein function. ClinVar contains an entry for this variant (Variation ID: 289266). This variant has not been reported in the literature in individuals affected with COL6A2-related conditions. This variant is present in population databases (rs750533442, gnomAD 0.007%).

Eurofins Ntd Llc (ga)
Classification: Uncertain significance. Last evaluated: 2016-07-20. Review status: criteria provided, single submitter. Criteria: EGL Classification Definitions 2015. Collection method: clinical testing. Allele origin: germline. Observed: 2 variant alleles, 2 heterozygotes.

Literature cited by the submitters: PubMed 7695699 (cited by Labcorp Genetics (formerly Invitae), Labcorp); PubMed 8218237 (cited by Labcorp Genetics (formerly Invitae), Labcorp); PubMed 19344236 (cited by Labcorp Genetics (formerly Invitae), Labcorp); PubMed 15689448 (cited by Labcorp Genetics (formerly Invitae), Labcorp); PubMed 24038877 (cited by Labcorp Genetics (formerly Invitae), Labcorp).